The following is an entry in ClinVar:

NM_001042492.3(NF1):c.2990+1G>C

Gene: NF1 (neurofibromin 1; plus strand). Cytogenetic location: 17q11.2.
Variant type: single nucleotide variant.
Coding change: c.2990+1G>C on transcript NM_001042492.3 (MANE Select); the canonical splice donor site of the intron after coding-DNA position 2990, G replaced by C.
Molecular consequence: splice donor variant.
Genome position (GRCh38, 1-based): chr17:31,229,975, G>C. VCF-style: chr17-31229975-G-C. GRCh37 (hg19) VCF-style: chr17-29556993-G-C.
Other names: c.2990+1G>C (NM_000267.4).
Identifiers: ClinVar variation 996434 (VCV000996434.10), dbSNP rs1135402836, ClinGen allele CA398986463.

ClinVar aggregate classification (germline): Pathogenic. Review status: criteria provided, multiple submitters, no conflicts (2 of 4 stars). 5 submissions from 5 submitters: Pathogenic (5). Last evaluated 2025-06-13.

Conditions:
NF1-related disorder. Also called: NF1-related condition. Identifiers: MedGen CN379171.
Neurofibromatosis, type 1 (NF1). Also called: Neurofibromatosis, type I; Peripheral type neurofibromatosis; VON RECKLINGHAUSEN DISEASE; NEUROFIBROMATOSIS, TYPE I, SOMATIC. Identifiers: Orphanet 636, MedGen C0027831, MONDO:0018975, OMIM 162200. Disease mechanism: loss of function.

Submissions (5):

GeneDx
Classification: Pathogenic. Last evaluated: 2025-06-13. Review status: criteria provided, single submitter. Criteria: GeneDx Variant Classification Process June 2021. Collection method: clinical testing. Allele origin: germline. Affected: yes.
Comment: Canonical splice site variant predicted to result in a null allele in a gene for which loss-of-function is a known mechanism of disease; Not observed in large population cohorts (gnomAD); This variant is associated with the following publications: (PMID: 23913538)

Labcorp Genetics (formerly Invitae), Labcorp
Classification: Pathogenic for Neurofibromatosis, type 1. Last evaluated: 2024-04-10. Review status: criteria provided, single submitter. Criteria: Invitae Variant Classification Sherloc (09022015). Collection method: clinical testing. Allele origin: germline.
Comment: This sequence change affects a donor splice site in intron 22 of the NF1 gene. It is expected to disrupt RNA splicing. Variants that disrupt the donor or acceptor splice site typically lead to a loss of protein function (PMID: 16199547), and loss-of-function variants in NF1 are known to be pathogenic (PMID: 10712197, 23913538). This variant is not present in population databases (gnomAD no frequency). Disruption of this splice site has been observed in individuals with clinical features of neurofibromatosis, type 1 (PMID: 23913538, 31730495; Invitae). ClinVar contains an entry for this variant (Variation ID: 996434). Algorithms developed to predict the effect of sequence changes on RNA splicing suggest that this variant may disrupt the consensus splice site. For these reasons, this variant has been classified as Pathogenic.

Genome-Nilou Lab
Classification: Pathogenic for Neurofibromatosis, type 1. Last evaluated: 2022-03-15. Review status: criteria provided, single submitter. Criteria: ACMG Guidelines, 2015. Collection method: clinical testing. Allele origin: germline. Affected: no.

Blueprint Genetics
Classification: Pathogenic for NF1-related disorders. Last evaluated: 2022-03-02. Review status: criteria provided, single submitter. Criteria: ACMG Guidelines, 2015. Collection method: clinical testing. Allele origin: germline. Affected: yes. Observed: 1 variant allele.

Genome Diagnostics Laboratory, The Hospital for Sick Children
Classification: Pathogenic for Neurofibromatosis, type 1. Last evaluated: 2020-10-26. Review status: criteria provided, single submitter. Criteria: ACMG Guidelines, 2015. Collection method: clinical testing. Allele origin: germline. Affected: yes.

Literature cited by the submitters: PubMed 16199547 (cited by Labcorp Genetics (formerly Invitae), Labcorp); PubMed 10712197 (cited by Labcorp Genetics (formerly Invitae), Labcorp); PubMed 23913538 (cited by Labcorp Genetics (formerly Invitae), Labcorp); PubMed 31730495 (cited by Labcorp Genetics (formerly Invitae), Labcorp).